The following is an entry in ClinVar:

NM_000264.5(PTCH1):c.2495T>A (p.Val832Asp)

Genes: PTCH1 (patched 1; minus strand), LOC100507346 (uncharacterized LOC100507346; plus strand). Cytogenetic location: 9q22.32.
Variant type: single nucleotide variant.
Coding change: c.2495T>A on transcript NM_000264.5 (MANE Select); coding-DNA position 2495, T replaced by A.
Protein change: p.Val832Asp; replaces valine 832 with aspartic acid.
Molecular consequence: missense variant. On other transcripts: non-coding transcript variant (2).
Genome position (GRCh38, 1-based): chr9:95,467,181, A>T on the plus strand (T>A on the coding strand, the complement: PTCH1 is on the minus strand). VCF-style: chr9-95467181-A-T. GRCh37 (hg19) VCF-style: chr9-98229463-A-T.
Other names: c.2297T>A, p.Val766Asp (NM_001083602.3); c.2492T>A, p.Val831Asp (NM_001083603.3); c.2042T>A, p.Val681Asp (NM_001083604.3, NM_001083605.3, NM_001083606.3 and 1 more transcripts); c.2339T>A, p.Val780Asp (NM_001354918.2); short protein forms V766D, V832D, V681D, V831D, V780D.
Identifiers: ClinVar variation 188235 (VCV000188235.12), dbSNP rs786204167, ClinGen allele CA334396.
Genomic context (GRCh38, chr9:95,467,181, plus strand): 5'-AGCCAGTCTCTGAAGTAGTGCAGCCACATTTTGGGAAGCTGTTTGTTTTCTTCCAACATG[A>T]CATACTTCACGTTACTGAAACTCCTGTGTAGGTCGTAAAGTAAGTGCTGGATATTCGGGT-3'
Protein context (NP_000255.2, residues 822-842): LHRSFSNVKY[Val832Asp]MLEENKQLPK

ClinVar aggregate classification (germline): Likely pathogenic (1 of 4 stars; one submission).

Conditions:
Gorlin syndrome. Also called: Basal cell nevus syndrome; Nevoid Basal Cell Carcinoma Syndrome. Identifiers: Orphanet 377, MedGen C0004779, MONDO:0007187.

Submission:

Labcorp Genetics (formerly Invitae), Labcorp
Classification: Likely pathogenic for Gorlin syndrome. Last evaluated: 2019-11-13. Review status: criteria provided, single submitter. Criteria: Invitae Variant Classification Sherloc (09022015). Collection method: clinical testing. Allele origin: germline.
Comment: In summary, the currently available evidence indicates that the variant is pathogenic, but additional data are needed to prove that conclusively. Therefore, this variant has been classified as Likely Pathogenic. Algorithms developed to predict the effect of missense changes on protein structure and function (SIFT, PolyPhen-2, Align-GVGD) all suggest that this variant is likely to be disruptive, but these predictions have not been confirmed by published functional studies and their clinical significance is uncertain. This variant has been observed to segregate with clinical features of nevoid basal cell carcinoma syndrome in a family (Invitae). ClinVar contains an entry for this variant (Variation ID: 188235). This variant is not present in population databases (ExAC no frequency). This sequence change replaces valine with aspartic acid at codon 832 of the PTCH1 protein (p.Val832Asp). The valine residue is moderately conserved and there is a large physicochemical difference between valine and aspartic acid.